The following is an entry in ClinVar:

NM_004937.3(CTNS):c.292dup (p.Thr98fs)

Genes: CTNS (cystinosin, lysosomal cystine transporter; plus strand), CTNS-AS1 (CTNS antisense RNA 1; minus strand). Cytogenetic location: 17p13.2.
Variant type: Duplication.
Coding change: c.292dup on transcript NM_004937.3 (MANE Select); coding-DNA position 292, one base duplicated (A; older notation c.292dupA).
Protein change: p.Thr98fs; shifts the reading frame from threonine 98.
Molecular consequence: frameshift variant. On other transcripts: 5 prime UTR variant (4).
Genome position (GRCh38, 1-based): chr17:3,655,064, A duplicated. VCF-style (leftmost placement, unchanged base first): chr17-3655063-T-TA. GRCh37 (hg19) VCF-style: chr17-3558357-T-TA.
Other names: c.292dup, p.Thr98fs (NM_001031681.3, NM_001374492.1); c.-150dup (NM_001374493.1, NM_001374494.1, NM_001374495.1 and 1 more transcripts); short protein forms T98fs.
Identifiers: ClinVar variation 188741 (VCV000188741.7), dbSNP rs786204434, ClinGen allele CA278469.

ClinVar aggregate classification (germline): Pathogenic. Review status: criteria provided, multiple submitters, no conflicts (2 of 4 stars). 3 submissions from 3 submitters: Pathogenic (2). 1 of the submissions does not count toward it. Last evaluated 2023-06-19.

Conditions:
Ocular cystinosis. Also called: Non-Nephropathic (Ocular) Cystinosis; Non-Nephropathic Cystinosis. Identifiers: Orphanet 213, Orphanet 411641, MedGen C2931013, MONDO:0009064, OMIM 219750.
Juvenile nephropathic cystinosis. Also called: Later-Onset (Juvenile) Cystinosis; Intermediate Cystinosis; CYSTINOSIS, LATE-ONSET JUVENILE OR ADOLESCENT NEPHROPATHIC TYPE. Identifiers: Orphanet 213, Orphanet 411634, MedGen C0268626, MONDO:0009066, OMIM 219900.
Inborn genetic diseases. Identifiers: MedGen C0950123, MeSH D030342.
Nephropathic cystinosis (CTNS). Also called: CYSTINOSIN, DEFECT OF; LYSOSOMAL CYSTINE TRANSPORT PROTEIN, DEFECT OF; Abderhalden Lignac Kaufmann disease; Abderhalden-Kaufmann-Lignac syndrome. Identifiers: Orphanet 213, Orphanet 411629, MedGen C2931187, MONDO:0100151, OMIM 219800.

Submissions (3):

Baylor Genetics
Classification: Pathogenic for Nephropathic cystinosis. Last evaluated: 2023-06-19. Review status: criteria provided, single submitter. Criteria: ACMG Guidelines, 2015. Collection method: clinical testing. Allele origin: unknown.

Labcorp Genetics (formerly Invitae), Labcorp
Classification: Pathogenic for Inborn genetic diseases; Ocular cystinosis; Juvenile nephropathic cystinosis. Last evaluated: 2023-04-06. Review status: criteria provided, single submitter. Criteria: Invitae Variant Classification Sherloc (09022015). Collection method: clinical testing. Allele origin: germline.
Comment: This sequence change creates a premature translational stop signal (p.Thr98Asnfs*27) in the CTNS gene. It is expected to result in an absent or disrupted protein product. Loss-of-function variants in CTNS are known to be pathogenic (PMID: 9537412, 27102039). This variant is not present in population databases (gnomAD no frequency). This premature translational stop signal has been observed in individual(s) with cystinosis (PMID: 12204010). This variant is also known as 292-293insA. ClinVar contains an entry for this variant (Variation ID: 188741). For these reasons, this variant has been classified as Pathogenic.

Counsyl
Classification: Likely pathogenic for Cystinosis. Last evaluated: 2014-04-03. Review status: no assertion criteria provided. Collection method: literature only. Allele origin: unknown. Inheritance: Autosomal recessive inheritance. Not counted in ClinVar's aggregate classification.

Literature cited by the submitters: PubMed 9537412 (cited by Labcorp Genetics (formerly Invitae), Labcorp); PubMed 27102039 (cited by Labcorp Genetics (formerly Invitae), Labcorp); PubMed 12204010 (cited by Labcorp Genetics (formerly Invitae), Labcorp and Counsyl).